The following is an entry in ClinVar:

NM_000538.4(RFXAP):c.343G>A (p.Glu115Lys)

Gene: RFXAP (regulatory factor X associated protein; plus strand). Cytogenetic location: 13q13.3.
Variant type: single nucleotide variant.
Coding change: c.343G>A on transcript NM_000538.4 (MANE Select); coding-DNA position 343, G replaced by A.
Protein change: p.Glu115Lys; replaces glutamic acid 115 with lysine.
Molecular consequence: missense variant.
Genome position (GRCh38, 1-based): chr13:36,819,700, G>A. VCF-style: chr13-36819700-G-A. GRCh37 (hg19) VCF-style: chr13-37393837-G-A.
Other names: short protein forms E115K.
Identifiers: ClinVar variation 660753 (VCV000660753.8), dbSNP rs1593530039, ClinGen allele CA387854850.

ClinVar aggregate classification (germline): Uncertain significance (1 of 4 stars; one submission).

Conditions:
MHC class II deficiency. Also called: Bare lymphocyte syndrome 2; BLS, TYPE II. Identifiers: Orphanet 572, MedGen C5447452, MONDO:0008855.

Allele frequency attached by ClinVar (database versions not stated): gnomAD exomes below 0.00001.
gnomAD v4.1: 3 of 1,550,386 alleles (0.00019%); highest among the groups gnomAD compares: Non-Finnish European, 0.00026%; no homozygotes.

Submission:

Labcorp Genetics (formerly Invitae), Labcorp
Classification: Uncertain significance for MHC class II deficiency. Last evaluated: 2023-04-05. Review status: criteria provided, single submitter. Criteria: Invitae Variant Classification Sherloc (09022015). Collection method: clinical testing. Allele origin: germline.
Comment: ClinVar contains an entry for this variant (Variation ID: 660753). In summary, the available evidence is currently insufficient to determine the role of this variant in disease. Therefore, it has been classified as a Variant of Uncertain Significance. Advanced modeling of protein sequence and biophysical properties (such as structural, functional, and spatial information, amino acid conservation, physicochemical variation, residue mobility, and thermodynamic stability) performed at Invitae indicates that this missense variant is not expected to disrupt RFXAP protein function. This variant has not been reported in the literature in individuals affected with RFXAP-related conditions. This variant is not present in population databases (gnomAD no frequency). This sequence change replaces glutamic acid, which is acidic and polar, with lysine, which is basic and polar, at codon 115 of the RFXAP protein (p.Glu115Lys).